The following is an entry in ClinVar:

ClinVar aggregate classification (germline): Conflicting classifications of pathogenicity. Review status: criteria provided, conflicting classifications (1 of 4 stars). 4 submissions from 4 submitters: Uncertain significance (3); Likely benign (1). Last evaluated 2026-04-06.

Conditions:
Intellectual developmental disorder with autism and macrocephaly. Also called: Autism, susceptibility to, 18; CHD8-Related Neurodevelopmental Disorder with Overgrowth. Identifiers: Orphanet 642675, MedGen C3554373, MONDO:0014017, OMIM 615032.
CHD8-related disorder. Also called: CHD8-related condition; CHD8-related disorders.
Inborn genetic diseases. Identifiers: MedGen C0950123, MeSH D030342.

Allele frequency attached by ClinVar (database versions not stated): ExAC 0.00001; gnomAD 0.00003; TOPMed 0.00003.

Submissions (4):

Ambry Genetics
Classification: Uncertain significance for Inborn genetic diseases. Last evaluated: 2026-04-06. Review status: criteria provided, single submitter. Criteria: Ambry Variant Classification Scheme 2023. Collection method: clinical testing. Allele origin: germline.

PreventionGenetics, part of Exact Sciences
Classification: Likely benign for CHD8-related condition. Last evaluated: 2025-10-31. Review status: criteria provided, single submitter. Criteria: ACMG Guidelines, 2015. Collection method: clinical testing. Allele origin: germline.
Comment: This variant is classified as likely benign based on ACMG/AMP sequence variant interpretation guidelines (Richards et al. 2015 PMID: 25741868, with internal and published modifications).

Labcorp Genetics (formerly Invitae), Labcorp
Classification: Uncertain significance. Last evaluated: 2023-10-28. Review status: criteria provided, single submitter. Criteria: Invitae Variant Classification Sherloc (09022015). Collection method: clinical testing. Allele origin: germline.
Comment: This sequence change replaces methionine, which is neutral and non-polar, with lysine, which is basic and polar, at codon 1965 of the CHD8 protein (p.Met1965Lys). This variant is present in population databases (rs768077001, gnomAD 0.002%). This variant has not been reported in the literature in individuals affected with CHD8-related conditions. ClinVar contains an entry for this variant (Variation ID: 2440011). Advanced modeling of protein sequence and biophysical properties (such as structural, functional, and spatial information, amino acid conservation, physicochemical variation, residue mobility, and thermodynamic stability) performed at Invitae indicates that this missense variant is not expected to disrupt CHD8 protein function with a negative predictive value of 80%. In summary, the available evidence is currently insufficient to determine the role of this variant in disease. Therefore, it has been classified as a Variant of Uncertain Significance.

Revvity Omics, Revvity
Classification: Uncertain significance for Intellectual developmental disorder with autism and macrocephaly. Last evaluated: 2022-10-27. Review status: criteria provided, single submitter. Criteria: ACMG Guidelines, 2015. Collection method: clinical testing. Allele origin: germline.

NM_001170629.2(CHD8):c.5894T>A (p.Met1965Lys)

Gene: CHD8 (chromodomain helicase DNA binding protein 8; minus strand). Cytogenetic location: 14q11.2.
Variant type: single nucleotide variant.
Coding change: c.5894T>A on transcript NM_001170629.2 (MANE Select); coding-DNA position 5894, T replaced by A.
Protein change: p.Met1965Lys; replaces methionine 1965 with lysine.
Molecular consequence: missense variant.
Genome position (GRCh38, 1-based): chr14:21,393,901, A>T on the plus strand (T>A on the coding strand, the complement: CHD8 is on the minus strand). VCF-style: chr14-21393901-A-T. GRCh37 (hg19) VCF-style: chr14-21862060-A-T.
Other names: c.5057T>A, p.Met1686Lys (NM_020920.4); c.5894T>A (NM_001170629.1); short protein forms M1686K, M1965K.
Identifiers: ClinVar variation 2440011 (VCV002440011.7), dbSNP rs768077001, ClinGen allele CA7090877.